The following is an entry in ClinVar:

NM_020812.4(DOCK6):c.5688+10G>T

Gene: DOCK6 (dedicator of cytokinesis 6; minus strand). Cytogenetic location: 19p13.2.
Variant type: single nucleotide variant.
Coding change: c.5688+10G>T on transcript NM_020812.4 (MANE Select); 10 bases into the intron after coding-DNA position 5688, G replaced by T.
Molecular consequence: intron variant.
Genome position (GRCh38, 1-based): chr19:11,201,879, C>A on the plus strand (G>T on the coding strand, the complement: DOCK6 is on the minus strand). VCF-style: chr19-11201879-C-A. GRCh37 (hg19) VCF-style: chr19-11312555-C-A.
Other names: c.5793+10G>T (NM_001367830.1).
Identifiers: ClinVar variation 3033120 (VCV003033120.2), dbSNP rs1440833301, ClinGen allele CA2322817311.

ClinVar aggregate classification (germline): Likely benign (0 of 4 stars; one submission).

Conditions:
DOCK6-related disorder. Also called: DOCK6-related condition.

Submission:

PreventionGenetics, part of Exact Sciences
Classification: Likely benign for DOCK6-related condition. Last evaluated: 2019-06-13. Review status: no assertion criteria provided. Collection method: clinical testing. Allele origin: germline.
Comment: This variant is classified as likely benign based on ACMG/AMP sequence variant interpretation guidelines (Richards et al. 2015 PMID: 25741868, with internal and published modifications).